The following is an entry in ClinVar:

ClinVar aggregate classification (germline): Conflicting classifications of pathogenicity. Review status: criteria provided, conflicting classifications (1 of 4 stars). 6 submissions from 6 submitters: Uncertain significance (2); Benign (1); Likely benign (2). 1 of the submissions does not count toward it. Last evaluated 2026-01-28.

Conditions:
SELENON-related disorder. Also called: SELENON-related condition.
Eichsfeld type congenital muscular dystrophy (CMYO3). Also called: MYOPATHY, SEPN1-RELATED; SELENON-related myopathy; Congenital myopathy 3 with rigid spine; Rigid spine muscular dystrophy 1. Identifiers: MedGen C0410180, MONDO:0100100, OMIM 602771.

Allele frequency attached by ClinVar (database versions not stated): gnomAD exomes 0.00012 and 0.00026; ExAC 0.00029; gnomAD 0.00082 and 0.00085; ESP Exome Variant Server 0.00096; TOPMed 0.00119; 1000 Genomes Project 0.00200; 1000 Genomes Project 30x 0.00219.
gnomAD v4.1: 311 of 1,613,696 alleles (0.019%); highest among the groups gnomAD compares: African/African-American, 0.29%; 1 homozygote.

Submissions (6):

Labcorp Genetics (formerly Invitae), Labcorp
Classification: Benign for Eichsfeld type congenital muscular dystrophy. Last evaluated: 2026-01-28. Review status: criteria provided, single submitter. Criteria: Invitae Variant Classification Sherloc (09022015). Collection method: clinical testing. Allele origin: germline.

CeGaT Center for Human Genetics Tuebingen
Classification: Likely benign. Last evaluated: 2026-01-01. Review status: criteria provided, single submitter. Criteria: CeGaT Center For Human Genetics Tuebingen Variant Classification Criteria Version 2. Collection method: clinical testing. Allele origin: germline. Affected: yes. Observed: 2 variant alleles.
Comment: SELENON: PP3, BS2

GeneDx
Classification: Uncertain significance. Last evaluated: 2025-10-01. Review status: criteria provided, single submitter. Criteria: GeneDx Variant Classification Process June 2021. Collection method: clinical testing. Allele origin: germline. Affected: yes.
Comment: See Variant Classification Assertion Criteria.

Blueprint Genetics
Classification: Likely benign. Last evaluated: 2024-02-12. Review status: criteria provided, single submitter. Criteria: ACMG Guidelines, 2015. Collection method: clinical testing. Allele origin: germline.

Eurofins Ntd Llc (ga)
Classification: Uncertain significance. Last evaluated: 2013-01-28. Review status: criteria provided, single submitter. Criteria: EGL Classification Definitions 2015. Collection method: clinical testing. Allele origin: germline. Observed: 1 variant allele, 1 heterozygote.

PreventionGenetics, part of Exact Sciences
Classification: Likely benign for SELENON-related condition. Last evaluated: 2023-06-05. Review status: no assertion criteria provided. Collection method: clinical testing. Allele origin: germline. Not counted in ClinVar's aggregate classification.
Comment: This variant is classified as likely benign based on ACMG/AMP sequence variant interpretation guidelines (Richards et al. 2015 PMID: 25741868, with internal and published modifications).

NM_206926.2(SELENON):c.1494C>T (p.Gly498=)

Gene: SELENON (selenoprotein N; plus strand). Cytogenetic location: 1p36.11.
Variant type: single nucleotide variant.
Coding change: c.1494C>T on transcript NM_206926.2 (MANE Select); coding-DNA position 1494, C replaced by T.
Protein change: p.Gly498=; no amino-acid change (glycine 498 retained).
Molecular consequence: synonymous variant.
Genome position (GRCh38, 1-based): chr1:25,814,172, C>T. VCF-style: chr1-25814172-C-T. GRCh37 (hg19) VCF-style: chr1-26140663-C-T.
Other names: c.1596C>T, p.Gly532= (NM_020451.3).
Identifiers: ClinVar variation 95960 (VCV000095960.45), dbSNP rs149623434, ClinGen allele CA223584.
Genomic context (GRCh38, chr1:25,814,172, plus strand): 5'-TGGCCTGCACCTGGAGAAGTACAGCTTCCCCGTGGAGATGATGATCTGCCTGCCCAATGG[C>T]ACCGTGGTAGGCACCCCCACTCAGACCCCACAGGGCCCAGGCACCTCGGGGCCCCGGGAG-3'
Protein context (NP_996809.1, residues 488-508): PVEMMICLPN[Gly498=]TVVHHINANY